The following is an entry in ClinVar:

NM_001165963.4(SCN1A):c.3220G>A (p.Asp1074Asn)

Genes: SCN1A (sodium voltage-gated channel alpha subunit 1; minus strand), LOC102724058 (uncharacterized LOC102724058; plus strand). Cytogenetic location: 2q24.3.
Variant type: single nucleotide variant.
Coding change: c.3220G>A on transcript NM_001165963.4 (MANE Select); coding-DNA position 3220, G replaced by A.
Protein change: p.Asp1074Asn; replaces aspartic acid 1074 with asparagine.
Molecular consequence: missense variant. On other transcripts: non-coding transcript variant (2).
Genome position (GRCh38, 1-based): chr2:166,036,257, C>T on the plus strand (G>A on the coding strand, the complement: SCN1A is on the minus strand). VCF-style: chr2-166036257-C-T. GRCh37 (hg19) VCF-style: chr2-166892767-C-T.
Other names: p.D1074N:GAC>AAC; c.3136G>A, p.Asp1046Asn (NM_001165964.3, NM_001353957.2, NM_001353958.2); c.3220G>A, p.Asp1074Asn (NM_001202435.3, NM_001353948.2); c.3187G>A, p.Asp1063Asn (NM_001353949.2, NM_001353950.2, NM_001353951.2 and 2 more transcripts); c.3184G>A, p.Asp1062Asn (NM_001353954.2, NM_001353955.2); c.3133G>A, p.Asp1045Asn (NM_001353960.2); c.778G>A, p.Asp260Asn (NM_001353961.2); short protein forms D1063N, D1074N, D1045N, D1046N, D1062N, D260N.
Identifiers: ClinVar variation 206797 (VCV000206797.48), dbSNP rs751514645, ClinGen allele CA317351.

ClinVar aggregate classification (germline): Conflicting classifications of pathogenicity. Review status: criteria provided, conflicting classifications (1 of 4 stars). 4 submissions from 4 submitters: Uncertain significance (3); Likely benign (1). Last evaluated 2024-10-16.

Conditions:
Inborn genetic diseases. Identifiers: MedGen C0950123, MeSH D030342.
Developmental and epileptic encephalopathy. Identifiers: MedGen C5779964, MONDO:0100620.

Allele frequency attached by ClinVar (database versions not stated): gnomAD exomes below 0.00001; ExAC 0.00001; gnomAD 0.00002; TOPMed 0.00002.

Submissions (4):

Ambry Genetics
Classification: Uncertain significance for Inborn genetic diseases. Last evaluated: 2024-10-16. Review status: criteria provided, single submitter. Criteria: Ambry Variant Classification Scheme 2023. Collection method: clinical testing. Allele origin: germline.

Labcorp Genetics (formerly Invitae), Labcorp
Classification: Uncertain significance for Early-infantile DEE. Last evaluated: 2024-10-09. Review status: criteria provided, single submitter. Criteria: Invitae Variant Classification Sherloc (09022015). Collection method: clinical testing. Allele origin: germline.
Comment: This sequence change replaces aspartic acid, which is acidic and polar, with asparagine, which is neutral and polar, at codon 1074 of the SCN1A protein (p.Asp1074Asn). This variant is present in population databases (rs751514645, gnomAD 0.0009%). This variant has not been reported in the literature in individuals affected with SCN1A-related conditions. ClinVar contains an entry for this variant (Variation ID: 206797). Invitae Evidence Modeling of protein sequence and biophysical properties (such as structural, functional, and spatial information, amino acid conservation, physicochemical variation, residue mobility, and thermodynamic stability) indicates that this missense variant is not expected to disrupt SCN1A protein function with a negative predictive value of 95%. In summary, the available evidence is currently insufficient to determine the role of this variant in disease. Therefore, it has been classified as a Variant of Uncertain Significance.

CeGaT Center for Human Genetics Tuebingen
Classification: Uncertain significance. Last evaluated: 2020-07-01. Review status: criteria provided, single submitter. Criteria: CeGaT Center For Human Genetics Tuebingen Variant Classification Criteria Version 2. Collection method: clinical testing. Allele origin: germline. Affected: yes. Observed: 1 variant allele.

GeneDx
Classification: Likely benign. Last evaluated: 2018-11-09. Review status: criteria provided, single submitter. Criteria: GeneDx Variant Classification Process June 2021. Collection method: clinical testing. Allele origin: germline. Affected: yes.